The following is an entry in ClinVar:

ClinVar aggregate classification (germline): Pathogenic (1 of 4 stars; one submission).

Conditions:
Achondrogenesis, type IB (ACG1B). Also called: Achondrogenesis Type 1B. Identifiers: Orphanet 932, Orphanet 93298, MedGen C0265274, MONDO:0010966, OMIM 600972.
Multiple epiphyseal dysplasia type 4 (EDM4). Also called: SLC26A2-Related Multiple Epiphyseal Dysplasia; MULTIPLE EPIPHYSEAL DYSPLASIA WITH BILAYERED PATELLAE; MULTIPLE EPIPHYSEAL DYSPLASIA WITH CLUBFOOT; MULTIPLE EPIPHYSEAL DYSPLASIA, AUTOSOMAL RECESSIVE; Multiple Epiphyseal Dysplasia, Recessive. Identifiers: Orphanet 93307, MedGen C1847593, MONDO:0009189, OMIM 226900.
Atelosteogenesis type II (AO2). Also called: NEONATAL OSSEOUS DYSPLASIA I; Neonatal osseous dysplasia 1; SLC26A2-Related Atelosteogenesis. Identifiers: Orphanet 56304, MedGen C1850554, MONDO:0009727, OMIM 256050.
Diastrophic dysplasia (DTD). Also called: Diastrophic dwarfism. Identifiers: Orphanet 628, MedGen C0220726, MONDO:0009107, OMIM 222600.

Submission:

Labcorp Genetics (formerly Invitae), Labcorp
Classification: Pathogenic for Atelosteogenesis type II; Multiple epiphyseal dysplasia type 4; Achondrogenesis, type IB; Diastrophic dysplasia. Last evaluated: 2019-12-08. Review status: criteria provided, single submitter. Criteria: Invitae Variant Classification Sherloc (09022015). Collection method: clinical testing. Allele origin: germline.
Comment: For these reasons, this variant has been classified as Pathogenic. This variant disrupts the C-terminus of the SLC26A2 protein. Other variant(s) that disrupt this region (p.Lys575Serfs*10) have been determined to be pathogenic (PMID: 8571951, 8528239). This suggests that variants that disrupt this region of the protein are likely to be causative of disease. This variant has not been reported in the literature in individuals with SLC26A2-related conditions. This variant is not present in population databases (ExAC no frequency). This sequence change results in a premature translational stop signal in the SLC26A2 gene (p.Leu478Phefs*8). While this is not anticipated to result in nonsense mediated decay, it is expected to disrupt the last 262 amino acids of the SLC26A2 protein.

Literature cited by the submitters: PubMed 8571951; PubMed 8528239.

NM_000112.4(SLC26A2):c.1432del (p.Leu478fs)

Gene: SLC26A2 (solute carrier family 26 member 2; plus strand). Cytogenetic location: 5q32.
Variant type: Deletion.
Coding change: c.1432del on transcript NM_000112.4 (MANE Select); coding-DNA position 1432, one base deleted (C; older notation c.1432delC).
Protein change: p.Leu478fs; shifts the reading frame from leucine 478.
Molecular consequence: frameshift variant.
Genome position (GRCh38, 1-based): chr5:149,981,025, C deleted; the last of 3 consecutive C bases (chr5:149,981,023-149,981,025); deleting any one gives the same sequence. VCF-style (leftmost placement, unchanged base first): chr5-149981022-TC-T. GRCh37 (hg19) VCF-style: chr5-149360585-TC-T.
Other names: short protein forms L478fs.
Identifiers: ClinVar variation 856738 (VCV000856738.10), dbSNP rs1755089179, ClinGen allele CA916082299.